The following is an entry in ClinVar:

ClinVar aggregate classification (germline): Likely benign. Review status: criteria provided, multiple submitters, no conflicts (2 of 4 stars). 5 submissions from 5 submitters: Likely benign (4). 1 of the submissions does not count toward it. Last evaluated 2026-01-02.

Conditions:
Hereditary cancer-predisposing syndrome. Also called: Tumor predisposition; Neoplastic Syndromes, Hereditary; Hereditary Cancer Syndrome; Hereditary neoplastic syndrome. Identifiers: Orphanet 140162, MedGen C0027672, MeSH D009386, MONDO:0015356.
Hereditary diffuse gastric adenocarcinoma (HDGC). Also called: DIFFUSE GASTRIC AND LOBULAR BREAST CANCER SYNDROME. Identifiers: Orphanet 26106, MedGen C1708349, MONDO:0007648, OMIM 137215.
Malignant tumor of breast. Also called: Malignant breast neoplasm; Cancer breast. Identifiers: MedGen C0006142, MONDO:0007254. Disease mechanism: loss of function.

Allele frequency attached by ClinVar (database versions not stated): gnomAD 0.00001; gnomAD exomes 0.00002; TOPMed 0.00002.
gnomAD v4.1: 19 of 1,613,830 alleles (0.0012%); highest among the groups gnomAD compares: East Asian, 0.0067%; no homozygotes.

Submissions (5):

Labcorp Genetics (formerly Invitae), Labcorp
Classification: Likely benign for Hereditary diffuse gastric adenocarcinoma. Last evaluated: 2026-01-02. Review status: criteria provided, single submitter. Criteria: Invitae Variant Classification Sherloc (09022015). Collection method: clinical testing. Allele origin: germline.

Myriad Genetics, Inc.
Classification: Likely benign for Hereditary diffuse gastric adenocarcinoma. Last evaluated: 2024-09-17. Review status: criteria provided, single submitter. Criteria: Myriad Autosomal Dominant, Autosomal Recessive and X-Linked Classification Criteria (2023). Collection method: clinical testing. Allele origin: unknown.
Comment: This variant is considered likely benign. This variant is intronic and is not expected to impact mRNA splicing.

GeneDx
Classification: Likely benign. Last evaluated: 2019-09-09. Review status: criteria provided, single submitter. Criteria: GeneDx Variant Classification Process June 2021. Collection method: clinical testing. Allele origin: germline. Affected: yes.
Comment: Not observed at a significant frequency in large population cohorts (Lek 2016)

Color Diagnostics, LLC DBA Color Health
Classification: Likely benign for Hereditary cancer-predisposing syndrome. Last evaluated: 2016-09-23. Review status: criteria provided, single submitter. Criteria: ACMG Guidelines, 2015. Collection method: clinical testing. Allele origin: germline.

Department of Pathology and Laboratory Medicine, Sinai Health System
Classification: Uncertain significance for Malignant tumor of breast. Review status: no assertion criteria provided. Collection method: clinical testing. Allele origin: unknown. Affected: yes. Study: The Canadian Open Genetics Repository (COGR). Not counted in ClinVar's aggregate classification.
Comment: The CDH1 c.1009-13G>A variant was not identified in the literature. The variant was identified in dbSNP (ID: rs557444760) as "With Likely benign allele", and in ClinVar (classified as likely benign by Color and GeneDx). The variant was identified in control databases in 4 of 246244 chromosomes at a frequency of 0.00002 (Genome Aggregation Database Feb 27, 2017). The variant was observed in the following populations: Latino in 1 of 33582 chromosomes (freq: 0.00003), East Asian in 2 of 17248 chromosomes (freq: 0.0001), and South Asian in 1 of 30778 chromosomes (freq: 0.00003), while the variant was not observed in the African, Other, European, Ashkenazi Jewish, and Finnish populations. The variant occurs outside of the splicing consensus sequence and in silico or computational prediction software programs (SpliceSiteFinder, MaxEntScan, NNSPLICE, GeneSplicer) do not predict a difference in splicing. In summary, based on the above information the clinical significance of this variant cannot be determined with certainty at this time. This variant is classified as a variant of uncertain significance.

NM_004360.5(CDH1):c.1009-13G>A

Gene: CDH1 (cadherin 1; plus strand). Cytogenetic location: 16q22.1.
Variant type: single nucleotide variant.
Coding change: c.1009-13G>A on transcript NM_004360.5 (MANE Select); 13 bases into the intron before coding-DNA position 1009, G replaced by A.
Molecular consequence: intron variant.
Genome position (GRCh38, 1-based): chr16:68,812,122, G>A. VCF-style: chr16-68812122-G-A. GRCh37 (hg19) VCF-style: chr16-68846025-G-A.
Other names: c.1009-13G>A (LRG_301t1, NM_001317184.2); c.-607-13G>A (NM_001317185.2); c.-811-13G>A (NM_001317186.2).
Identifiers: ClinVar variation 491484 (VCV000491484.15), dbSNP rs557444760, ClinGen allele CA283300641.
Genomic context (GRCh38, chr16:68,812,122, plus strand): 5'-TGTGTTGGGCTGGGCTAGGCCAAAGGTGGCTAGTGTTCCTGGTCCTGACTTGGTTGTGTC[G>A]ATCTCTCTGCAGAGTTTCCCTACGTATACCCTGGTGGTTCAAGCTGCTGACCTTCAAGGT-3'